The following is an entry in ClinVar:

ClinVar aggregate classification (germline): Uncertain significance. Review status: criteria provided, multiple submitters, no conflicts (2 of 4 stars). 2 submissions from 2 submitters: Uncertain significance (2). Last evaluated 2026-05-05.

Conditions:
Familial thoracic aortic aneurysm and aortic dissection (TAAD). Also called: Thoracic aortic aneurysms and dissections. Identifiers: Orphanet 91387, MedGen C4707243, MONDO:0019625.
Shprintzen-Goldberg syndrome (SGS). Also called: CRANIOSYNOSTOSIS WITH ARACHNODACTYLY AND ABDOMINAL HERNIAS; SHPRINTZEN-GOLDBERG CRANIOSYNOSTOSIS SYNDROME; Marfanoid disorder with craniosynostosis type 1; Marfanoid craniosynostosis syndrome; Shprintzen-Goldberg marfanoid syndrome. Identifiers: Orphanet 2462, MedGen C1321551, MONDO:0008426, OMIM 182212.

Allele frequency attached by ClinVar (database versions not stated): gnomAD exomes below 0.00001.
gnomAD v4.1: 3 of 1,542,918 alleles (0.00019%); highest among the groups gnomAD compares: Non-Finnish European, 0.00026%; no homozygotes.

Submissions (2):

Ambry Genetics
Classification: Uncertain significance for Familial thoracic aortic aneurysm and aortic dissection. Last evaluated: 2026-05-05. Review status: criteria provided, single submitter. Criteria: Ambry Variant Classification Scheme 2023. Collection method: clinical testing. Allele origin: germline.

Labcorp Genetics (formerly Invitae), Labcorp
Classification: Uncertain significance for Shprintzen-Goldberg syndrome. Last evaluated: 2025-10-08. Review status: criteria provided, single submitter. Criteria: Invitae Variant Classification Sherloc (09022015). Collection method: clinical testing. Allele origin: germline.
Comment: This sequence change replaces leucine, which is neutral and non-polar, with arginine, which is basic and polar, at codon 670 of the SKI protein (p.Leu670Arg). This variant is not present in population databases (gnomAD no frequency). This variant has not been reported in the literature in individuals affected with SKI-related conditions. ClinVar contains an entry for this variant (Variation ID: 409975). Invitae Evidence Modeling of protein sequence and biophysical properties (such as structural, functional, and spatial information, amino acid conservation, physicochemical variation, residue mobility, and thermodynamic stability) indicates that this missense variant is expected to disrupt SKI protein function with a positive predictive value of 95%. In summary, the available evidence is currently insufficient to determine the role of this variant in disease. Therefore, it has been classified as a Variant of Uncertain Significance.

NM_003036.4(SKI):c.2009T>G (p.Leu670Arg)

Gene: SKI (SKI proto-oncogene; plus strand). Cytogenetic location: 1p36.32.
Variant type: single nucleotide variant.
Coding change: c.2009T>G on transcript NM_003036.4 (MANE Select); coding-DNA position 2009, T replaced by G.
Protein change: p.Leu670Arg; replaces leucine 670 with arginine.
Molecular consequence: missense variant.
Genome position (GRCh38, 1-based): chr1:2,306,587, T>G. VCF-style: chr1-2306587-T-G. GRCh37 (hg19) VCF-style: chr1-2238026-T-G.
Other names: short protein forms L670R.
Identifiers: ClinVar variation 409975 (VCV000409975.9), dbSNP rs1060502673, ClinGen allele CA16609971.